The following is an entry in ClinVar:

NM_017831.4(RNF125):c.227G>A (p.Arg76Gln)

Gene: RNF125 (ring finger protein 125; plus strand). Cytogenetic location: 18q12.1.
Variant type: single nucleotide variant.
Coding change: c.227G>A on transcript NM_017831.4 (MANE Select); coding-DNA position 227, G replaced by A.
Protein change: p.Arg76Gln; replaces arginine 76 with glutamine.
Molecular consequence: missense variant.
Genome position (GRCh38, 1-based): chr18:32,037,178, G>A. VCF-style: chr18-32037178-G-A. GRCh37 (hg19) VCF-style: chr18-29617141-G-A.
Other names: short protein forms R76Q.
Identifiers: ClinVar variation 2042469 (VCV002042469.4), dbSNP rs780329924, ClinGen allele CA8930430.

ClinVar aggregate classification (germline): Uncertain significance (1 of 4 stars; one submission).

Conditions:
Tenorio syndrome (TNORS). Also called: OVERGROWTH, MACROCEPHALY, AND INTELLECTUAL DISABILITY SYNDROME. Identifiers: MedGen C4015710, MONDO:0014553, OMIM 616260.

Allele frequency attached by ClinVar (database versions not stated): TOPMed 0.00003; gnomAD exomes below 0.00001; ExAC 0.00001; gnomAD 0.00003.
gnomAD v4.1: 8 of 1,605,610 alleles (0.0005%); highest among the groups gnomAD compares: African/African-American, 0.0054%; no homozygotes.

Submission:

Labcorp Genetics (formerly Invitae), Labcorp
Classification: Uncertain significance for Tenorio syndrome. Last evaluated: 2022-08-03. Review status: criteria provided, single submitter. Criteria: Invitae Variant Classification Sherloc (09022015). Collection method: clinical testing. Allele origin: germline.
Comment: In summary, the available evidence is currently insufficient to determine the role of this variant in disease. Therefore, it has been classified as a Variant of Uncertain Significance. Algorithms developed to predict the effect of missense changes on protein structure and function are either unavailable or do not agree on the potential impact of this missense change (SIFT: "Tolerated"; PolyPhen-2: "Probably Damaging"; Align-GVGD: "Class C0"). This variant has not been reported in the literature in individuals affected with RNF125-related conditions. The frequency data for this variant in the population databases is considered unreliable, as metrics indicate poor data quality at this position in the gnomAD database. This sequence change replaces arginine, which is basic and polar, with glutamine, which is neutral and polar, at codon 76 of the RNF125 protein (p.Arg76Gln).